The following is an entry in ClinVar:

ClinVar aggregate classification (germline): Uncertain significance. Review status: criteria provided, multiple submitters, no conflicts (2 of 4 stars). 4 submissions from 4 submitters: Uncertain significance (4). Last evaluated 2023-12-13.

Conditions:
Inborn genetic diseases. Identifiers: MedGen C0950123, MeSH D030342.
Ellis-van Creveld syndrome (EVC). Also called: EVC-Related Ellis-van Creveld Syndrome; EVC2-Related Ellis-van Creveld Syndrome; MESOECTODERMAL DYSPLASIA; Chondroectodermal dysplasia. Identifiers: Orphanet 289, MedGen C0013903, MONDO:0009162, OMIM 225500.
Curry-Hall syndrome (WAD). Also called: WEYERS ACRODENTAL DYSOSTOSIS. Identifiers: Orphanet 952, MedGen C0457013, MONDO:0008673, OMIM 193530.

Allele frequency attached by ClinVar (database versions not stated): gnomAD 0.00002; ExAC 0.00003; gnomAD exomes 0.00003 and 0.00007; TOPMed 0.00004.
gnomAD v4.1: 106 of 1,613,414 alleles (0.0066%); highest among the groups gnomAD compares: Non-Finnish European, 0.0078%; no homozygotes.

Submissions (4):

Ambry Genetics
Classification: Uncertain significance for Inborn genetic diseases. Last evaluated: 2023-12-13. Review status: criteria provided, single submitter. Criteria: Ambry Variant Classification Scheme 2023. Collection method: clinical testing. Allele origin: germline.

Labcorp Genetics (formerly Invitae), Labcorp
Classification: Uncertain significance for Curry-Hall syndrome; Ellis-van Creveld syndrome. Last evaluated: 2022-02-14. Review status: criteria provided, single submitter. Criteria: Invitae Variant Classification Sherloc (09022015). Collection method: clinical testing. Allele origin: germline.
Comment: This sequence change replaces proline, which is neutral and non-polar, with threonine, which is neutral and polar, at codon 137 of the EVC protein (p.Pro137Thr). This variant is present in population databases (rs752906200, gnomAD 0.009%). This variant has not been reported in the literature in individuals affected with EVC-related conditions. ClinVar contains an entry for this variant (Variation ID: 349108). Algorithms developed to predict the effect of missense changes on protein structure and function are either unavailable or do not agree on the potential impact of this missense change (SIFT: "Deleterious"; PolyPhen-2: "Probably Damaging"; Align-GVGD: "Class C0"). In summary, the available evidence is currently insufficient to determine the role of this variant in disease. Therefore, it has been classified as a Variant of Uncertain Significance.

Illumina Laboratory Services, Illumina
Classification: Uncertain significance for Ellis-van Creveld syndrome. Last evaluated: 2018-01-12. Review status: criteria provided, single submitter. Criteria: ICSL Variant Classification Criteria 13 December 2019. Collection method: clinical testing. Allele origin: germline.

Eurofins Ntd Llc (ga)
Classification: Uncertain significance. Last evaluated: 2016-12-13. Review status: criteria provided, single submitter. Criteria: EGL Classification Definitions 2015. Collection method: clinical testing. Allele origin: germline. Observed: 1 variant allele, 1 heterozygote.

NM_153717.3(EVC):c.409C>A (p.Pro137Thr)

Gene: EVC (EvC ciliary complex subunit 1; plus strand). Cytogenetic location: 4p16.2.
Variant type: single nucleotide variant.
Coding change: c.409C>A on transcript NM_153717.3 (MANE Select); coding-DNA position 409, C replaced by A.
Protein change: p.Pro137Thr; replaces proline 137 with threonine.
Molecular consequence: missense variant.
Genome position (GRCh38, 1-based): chr4:5,731,449, C>A. VCF-style: chr4-5731449-C-A. GRCh37 (hg19) VCF-style: chr4-5733176-C-A.
Other names: c.409C>A, p.Pro137Thr (NM_001306090.2, NM_001306092.2); short protein forms P137T.
Identifiers: ClinVar variation 349108 (VCV000349108.11), dbSNP rs752906200, ClinGen allele CA2835694.